The following is an entry in ClinVar:

ClinVar aggregate classification (germline): Uncertain significance (1 of 4 stars; one submission).

Conditions:
Malignant hyperthermia, susceptibility to, 5 (MHS5). Also called: CACNA1S-Related Malignant Hyperthermia Susceptibility. Identifiers: Orphanet 423, MedGen C1866077, MONDO:0011163, OMIM 601887.
Hypokalemic periodic paralysis, type 1. Also called: HypoPP; Hypokalemic Periodic Paralysis Type 1 (AD). Identifiers: Orphanet 681, MedGen C3714580, MONDO:0042979, OMIM 170400.

Allele frequency attached by ClinVar (database versions not stated): gnomAD exomes below 0.00001.

Submission:

Labcorp Genetics (formerly Invitae), Labcorp
Classification: Uncertain significance for Hypokalemic periodic paralysis, type 1; Malignant hyperthermia, susceptibility to, 5. Last evaluated: 2023-03-24. Review status: criteria provided, single submitter. Criteria: Invitae Variant Classification Sherloc (09022015). Collection method: clinical testing. Allele origin: germline.
Comment: In summary, the available evidence is currently insufficient to determine the role of this variant in disease. Therefore, it has been classified as a Variant of Uncertain Significance. Advanced modeling of protein sequence and biophysical properties (such as structural, functional, and spatial information, amino acid conservation, physicochemical variation, residue mobility, and thermodynamic stability) performed at Invitae indicates that this missense variant is not expected to disrupt CACNA1S protein function. This variant has not been reported in the literature in individuals affected with CACNA1S-related conditions. This variant is not present in population databases (gnomAD no frequency). This sequence change replaces methionine, which is neutral and non-polar, with arginine, which is basic and polar, at codon 1137 of the CACNA1S protein (p.Met1137Arg).

NM_000069.3(CACNA1S):c.3410T>G (p.Met1137Arg)

Gene: CACNA1S (calcium voltage-gated channel subunit alpha1 S; minus strand). Cytogenetic location: 1q32.1.
Variant type: single nucleotide variant.
Coding change: c.3410T>G on transcript NM_000069.3 (MANE Select); coding-DNA position 3410, T replaced by G.
Protein change: p.Met1137Arg; replaces methionine 1137 with arginine.
Molecular consequence: missense variant.
Genome position (GRCh38, 1-based): chr1:201,060,662, A>C on the plus strand (T>G on the coding strand, the complement: CACNA1S is on the minus strand). VCF-style: chr1-201060662-A-C. GRCh37 (hg19) VCF-style: chr1-201029790-A-C.
Other names: short protein forms M1137R.
Identifiers: ClinVar variation 2938521 (VCV002938521.3), dbSNP rs2464494408, ClinGen allele CA344160099.